The following is an entry in ClinVar:

ClinVar aggregate classification (germline): Uncertain significance (1 of 4 stars; one submission).

Conditions:
Alstrom syndrome (ALMS). Identifiers: Orphanet 64, MedGen C0268425, MONDO:0008763, OMIM 203800.

Submission:

Labcorp Genetics (formerly Invitae), Labcorp
Classification: Uncertain significance for Alstrom syndrome. Last evaluated: 2021-01-06. Review status: criteria provided, single submitter. Criteria: Invitae Variant Classification Sherloc (09022015). Collection method: clinical testing. Allele origin: germline.
Comment: In summary, the available evidence is currently insufficient to determine the role of this variant in disease. Therefore, it has been classified as a Variant of Uncertain Significance. Experimental studies and prediction algorithms are not available or were not evaluated, and the functional significance of this variant is currently unknown. This variant has not been reported in the literature in individuals with ALMS1-related conditions. This variant is not present in population databases (ExAC no frequency). This sequence change replaces glutamine with lysine at codon 1205 of the ALMS1 protein (p.Gln1205Lys). The glutamine residue is weakly conserved and there is a small physicochemical difference between glutamine and lysine.

NM_001378454.1(ALMS1):c.3610C>A (p.Gln1204Lys)

Gene: ALMS1 (ALMS1 centrosome and basal body associated protein; plus strand). Cytogenetic location: 2p13.1.
Variant type: single nucleotide variant.
Coding change: c.3610C>A on transcript NM_001378454.1 (MANE Select); coding-DNA position 3610, C replaced by A.
Protein change: p.Gln1204Lys; replaces glutamine 1204 with lysine.
Molecular consequence: missense variant.
Genome position (GRCh38, 1-based): chr2:73,450,137, C>A. VCF-style: chr2-73450137-C-A. GRCh37 (hg19) VCF-style: chr2-73677264-C-A.
Other names: c.3613C>A, p.Gln1205Lys (NM_015120.4); short protein forms Q1204K, Q1205K.
Identifiers: ClinVar variation 1361353 (VCV001361353.6), dbSNP rs2103779570, ClinGen allele CA347276027.